The following is an entry in ClinVar:

NM_014855.3(AP5Z1):c.1521G>C (p.Glu507Asp)

Gene: AP5Z1 (adaptor related protein complex 5 subunit zeta 1; plus strand). Cytogenetic location: 7p22.1.
Variant type: single nucleotide variant.
Coding change: c.1521G>C on transcript NM_014855.3 (MANE Select); coding-DNA position 1521, G replaced by C.
Protein change: p.Glu507Asp; replaces glutamic acid 507 with aspartic acid.
Molecular consequence: missense variant. On other transcripts: non-coding transcript variant (1).
Genome position (GRCh38, 1-based): chr7:4,788,220, G>C. VCF-style: chr7-4788220-G-C. GRCh37 (hg19) VCF-style: chr7-4827851-G-C.
Other names: c.1521G>C, p.Glu507Asp (LRG_1247t1); c.1053G>C, p.Glu351Asp (NM_001364858.1); short protein forms E351D, E507D.
Identifiers: ClinVar variation 639654 (VCV000639654.10), dbSNP rs771555660, ClinGen allele CA366663240.

ClinVar aggregate classification (germline): Uncertain significance (1 of 4 stars; one submission).

Conditions:
Hereditary spastic paraplegia 48. Also called: SPASTIC PARAPLEGIA 48, AUTOSOMAL RECESSIVE; Spastic paraplegia 48. Identifiers: Orphanet 306511, MedGen C3150901, MONDO:0013342, OMIM 613647.

gnomAD v4.1: 1 of 1,570,114 alleles (0.000064%); highest among the groups gnomAD compares: Admixed American, 0.0019%; no homozygotes.

Submission:

Labcorp Genetics (formerly Invitae), Labcorp
Classification: Uncertain significance for Hereditary spastic paraplegia 48. Last evaluated: 2019-06-20. Review status: criteria provided, single submitter. Criteria: Invitae Variant Classification Sherloc (09022015). Collection method: clinical testing. Allele origin: germline.
Comment: This sequence change replaces glutamic acid with aspartic acid at codon 507 of the AP5Z1 protein (p.Glu507Asp). The glutamic acid residue is highly conserved and there is a small physicochemical difference between glutamic acid and aspartic acid. This variant is not present in population databases (ExAC no frequency). This variant has not been reported in the literature in individuals with AP5Z1-related disease. Algorithms developed to predict the effect of missense changes on protein structure and function output the following: SIFT: "Deleterious"; PolyPhen-2: "Benign"; Align-GVGD: "Class C0". The aspartic acid amino acid residue is found in multiple mammalian species, suggesting that this missense change does not adversely affect protein function. These predictions have not been confirmed by published functional studies and their clinical significance is uncertain. In summary, the available evidence is currently insufficient to determine the role of this variant in disease. Therefore, it has been classified as a Variant of Uncertain Significance.